The following is an entry in ClinVar:

ClinVar aggregate classification (germline): Pathogenic (1 of 4 stars; one submission).

Conditions:
Candidiasis, familial, 8 (CANDF8). Identifiers: Orphanet 1334, MedGen C3714992, MONDO:0014230, OMIM 615527.

Submission:

Labcorp Genetics (formerly Invitae), Labcorp
Classification: Pathogenic for Candidiasis, familial, 8. Last evaluated: 2024-09-23. Review status: criteria provided, single submitter. Criteria: Invitae Variant Classification Sherloc (09022015). Collection method: clinical testing. Allele origin: germline.
Comment: This sequence change creates a premature translational stop signal (p.Lys465Asnfs*28) in the TRAF3IP2 gene. It is expected to result in an absent or disrupted protein product. Loss-of-function variants in TRAF3IP2 are known to be pathogenic (PMID: 24120361). This variant is not present in population databases (gnomAD no frequency). This variant has not been reported in the literature in individuals affected with TRAF3IP2-related conditions. For these reasons, this variant has been classified as Pathogenic.

Literature cited by the submitters: PubMed 24120361.

NM_147686.4(TRAF3IP2):c.1392del (p.Lys465fs)

Genes: TRAF3IP2 (TRAF3 interacting protein 2; minus strand), TRAF3IP2-AS1 (TRAF3IP2 antisense RNA 1; plus strand). Cytogenetic location: 6q21.
Variant type: Deletion.
Coding change: c.1392del on transcript NM_147686.4 (MANE Select); coding-DNA position 1392, one base deleted (C; older notation c.1392delC).
Protein change: p.Lys465fs; shifts the reading frame from lysine 465.
Molecular consequence: frameshift variant.
Genome position (GRCh38, 1-based): chr6:111,566,528, G deleted on the plus strand (C on the coding strand, the reverse complement: TRAF3IP2 is on the minus strand); the first of 4 consecutive G bases (chr6:111,566,528-111,566,531); deleting any one gives the same sequence. VCF-style (leftmost placement, unchanged base first): chr6-111566527-TG-T. GRCh37 (hg19) VCF-style: chr6-111887730-TG-T.
Other names: c.1389del, p.Lys464fs (NM_001164281.3); c.24del, p.Lys9fs (NM_001164283.3); c.1419del, p.Lys474fs (NM_147200.3); short protein forms K464fs, K465fs, K474fs, K9fs.
Identifiers: ClinVar variation 3616939 (VCV003616939.2).